The following is an entry in ClinVar:

ClinVar aggregate classification (germline): Uncertain significance (1 of 4 stars; one submission).

Conditions:
Cardiovascular phenotype. Identifiers: MedGen CN230736.

Allele frequency attached by ClinVar (database versions not stated): gnomAD exomes below 0.00001.
gnomAD v4.1: 1 of 1,613,910 alleles (0.000062%); highest among the groups gnomAD compares: Non-Finnish European, 0.000085%; no homozygotes.

Submission:

Ambry Genetics
Classification: Uncertain significance for Cardiovascular phenotype. Last evaluated: 2023-03-26. Review status: criteria provided, single submitter. Criteria: Ambry Variant Classification Scheme 2023. Collection method: clinical testing. Allele origin: germline.
Comment: The p.R28S variant (also known as c.84G>T) is located in coding exon 3 of the EYA4 gene. The arginine at codon 28 is replaced by serine, an amino acid with dissimilar properties. This change occurs in the first base pair of coding exon 3. This amino acid position is conserved. In addition, this alteration is predicted to be deleterious by in silico analysis. Since supporting evidence is limited at this time, the clinical significance of this alteration remains unclear.

NM_004100.5(EYA4):c.84G>T (p.Arg28Ser)

Gene: EYA4 (EYA transcriptional coactivator and phosphatase 4; plus strand). Cytogenetic location: 6q23.2.
Variant type: single nucleotide variant.
Coding change: c.84G>T on transcript NM_004100.5 (MANE Select); coding-DNA position 84, G replaced by T.
Protein change: p.Arg28Ser; replaces arginine 28 with serine.
Molecular consequence: missense variant.
Genome position (GRCh38, 1-based): chr6:133,446,630, G>T. VCF-style: chr6-133446630-G-T. GRCh37 (hg19) VCF-style: chr6-133767768-G-T.
Other names: c.84G>T, p.Arg28Ser (NM_001301012.2, NM_001301013.2, NM_001370458.1 and 3 more transcripts); short protein forms R28S.
Identifiers: ClinVar variation 2563262 (VCV002563262.2), dbSNP rs1792870627, ClinGen allele CA365837901.
Genomic context (GRCh38, chr6:133,446,630, plus strand): 5'-ATCTATTAAAAAATAACTGCTGCAATTTCAACTTTTCTCTGCTGCTTACTGCTCTACCAG[G>T]TCTATGGAAATGCAGGACCTAGCAAGTCCTCATACTCTTGTTGGAGGTGGTGATACTCCA-3'
Protein context (NP_004091.3, residues 18-38): ESDVSQSQNS[Arg28Ser]SMEMQDLASP